The following is an entry in ClinVar:

NM_016239.4(MYO15A):c.6485C>T (p.Pro2162Leu)

Gene: MYO15A (myosin XVA; plus strand). Cytogenetic location: 17p11.2.
Variant type: single nucleotide variant.
Coding change: c.6485C>T on transcript NM_016239.4 (MANE Select); coding-DNA position 6485, C replaced by T.
Protein change: p.Pro2162Leu; replaces proline 2162 with leucine.
Molecular consequence: missense variant.
Genome position (GRCh38, 1-based): chr17:18,146,083, C>T. VCF-style: chr17-18146083-C-T. GRCh37 (hg19) VCF-style: chr17-18049397-C-T.
Other names: c.6485C>T (NM_016239.3); short protein forms P2162L.
Identifiers: ClinVar variation 2056120 (VCV002056120.5), dbSNP rs111948619, ClinGen allele CA8424596.

ClinVar aggregate classification (germline): Uncertain significance. Review status: criteria provided, multiple submitters, no conflicts (2 of 4 stars). 4 submissions from 4 submitters: Uncertain significance (4). Last evaluated 2026-10-07.

Conditions:
Inborn genetic diseases. Identifiers: MedGen C0950123, MeSH D030342.

Allele frequency attached by ClinVar (database versions not stated): TOPMed 0.00006; gnomAD 0.00003; ExAC 0.00003.
gnomAD v4.1: 108 of 1,613,766 alleles (0.0067%); highest among the groups gnomAD compares: Admixed American, 0.013%; no homozygotes.

Submissions (4):

GeneDx
Classification: Uncertain significance. Last evaluated: 2026-10-07. Review status: criteria provided, single submitter. Criteria: GeneDx Variant Classification Process June 2021. Collection method: clinical testing. Allele origin: germline.
Comment: In silico analysis supports that this missense variant has a deleterious effect on protein structure/function; Has not been previously published as pathogenic or benign to our knowledge

Blueprint Genetics
Classification: Uncertain significance. Last evaluated: 2024-07-10. Review status: criteria provided, single submitter. Criteria: ACMG Guidelines, 2015. Collection method: clinical testing. Allele origin: germline.

Ambry Genetics
Classification: Uncertain significance for Inborn genetic diseases. Last evaluated: 2024-05-20. Review status: criteria provided, single submitter. Criteria: Ambry Variant Classification Scheme 2023. Collection method: clinical testing. Allele origin: germline.

Labcorp Genetics (formerly Invitae), Labcorp
Classification: Uncertain significance. Last evaluated: 2022-08-03. Review status: criteria provided, single submitter. Criteria: Invitae Variant Classification Sherloc (09022015). Collection method: clinical testing. Allele origin: germline.
Comment: This sequence change replaces proline, which is neutral and non-polar, with leucine, which is neutral and non-polar, at codon 2162 of the MYO15A protein (p.Pro2162Leu). This variant is present in population databases (rs111948619, gnomAD 0.007%). This variant has not been reported in the literature in individuals affected with MYO15A-related conditions. Advanced modeling of protein sequence and biophysical properties (such as structural, functional, and spatial information, amino acid conservation, physicochemical variation, residue mobility, and thermodynamic stability) performed at Invitae indicates that this missense variant is not expected to disrupt MYO15A protein function. In summary, the available evidence is currently insufficient to determine the role of this variant in disease. Therefore, it has been classified as a Variant of Uncertain Significance.